The following is an entry in ClinVar:

NM_001079.4(ZAP70):c.643C>G (p.Gln215Glu)

Gene: ZAP70 (zeta chain of T cell receptor associated protein kinase 70; plus strand). Cytogenetic location: 2q11.2.
Variant type: single nucleotide variant.
Coding change: c.643C>G on transcript NM_001079.4 (MANE Select); coding-DNA position 643, C replaced by G.
Protein change: p.Gln215Glu; replaces glutamine 215 with glutamic acid.
Molecular consequence: missense variant.
Genome position (GRCh38, 1-based): chr2:97,732,962, C>G. VCF-style: chr2-97732962-C-G. GRCh37 (hg19) VCF-style: chr2-98349425-C-G.
Other names: c.643C>G, p.Gln215Glu (NM_001378594.1); short protein forms Q215E.
Identifiers: ClinVar variation 1513750 (VCV001513750.6), dbSNP rs201082521, ClinGen allele CA52558474.

ClinVar aggregate classification (germline): Uncertain significance (1 of 4 stars; one submission).

Conditions:
Combined immunodeficiency due to ZAP70 deficiency (IMD48). Also called: ZAP70 Deficiency; Immunodeficiency 48. Identifiers: Orphanet 911, MedGen C2931299, MONDO:0010023, OMIM 269840.

Allele frequency attached by ClinVar (database versions not stated): gnomAD exomes below 0.00001; TOPMed below 0.00001.
gnomAD v4.1: 6 of 1,614,126 alleles (0.00037%); highest among the groups gnomAD compares: Non-Finnish European, 0.00051%; no homozygotes.

Submission:

Labcorp Genetics (formerly Invitae), Labcorp
Classification: Uncertain significance for Combined immunodeficiency due to ZAP70 deficiency. Last evaluated: 2022-07-06. Review status: criteria provided, single submitter. Criteria: Invitae Variant Classification Sherloc (09022015). Collection method: clinical testing. Allele origin: germline.
Comment: This variant has not been reported in the literature in individuals affected with ZAP70-related conditions. ClinVar contains an entry for this variant (Variation ID: 1513750). Algorithms developed to predict the effect of missense changes on protein structure and function are either unavailable or do not agree on the potential impact of this missense change (SIFT: "Not Available"; PolyPhen-2: "Benign"; Align-GVGD: "Not Available"). In summary, the available evidence is currently insufficient to determine the role of this variant in disease. Therefore, it has been classified as a Variant of Uncertain Significance. This variant is present in population databases (rs201082521, gnomAD 0.0009%). This sequence change replaces glutamine with glutamic acid at codon 215 of the ZAP70 protein (p.Gln215Glu). The glutamine residue is highly conserved and there is a small physicochemical difference between glutamine and glutamic acid.